The following is an entry in ClinVar:

ClinVar aggregate classification (germline): Uncertain significance. Review status: criteria provided, multiple submitters, no conflicts (2 of 4 stars). 4 submissions from 4 submitters: Uncertain significance (4). Last evaluated 2025-01-08.

Conditions:
Inborn genetic diseases. Identifiers: MedGen C0950123, MeSH D030342.

Allele frequency attached by ClinVar (database versions not stated): ESP Exome Variant Server 0.00025; TOPMed 0.00055; gnomAD exomes 0.00066; gnomAD 0.00067 and 0.00070; ExAC 0.00083.
gnomAD v4.1: 1,362 of 1,549,726 alleles (0.088%); highest among the groups gnomAD compares: Non-Finnish European, 0.1%; 4 homozygotes.

Submissions (4):

GeneDx
Classification: Uncertain significance. Last evaluated: 2025-01-08. Review status: criteria provided, single submitter. Criteria: GeneDx Variant Classification Process June 2021. Collection method: clinical testing. Allele origin: germline. Affected: yes.
Comment: Has not been previously published in association with a CPAMD8-related disorder to our knowledge; In silico analysis does not support a benign or deleterious effect of this variant on protein structure/function; This variant is associated with the following publications: (PMID: 26740555)

Labcorp Genetics (formerly Invitae), Labcorp
Classification: Uncertain significance. Last evaluated: 2024-05-24. Review status: criteria provided, single submitter. Criteria: Invitae Variant Classification Sherloc (09022015). Collection method: clinical testing. Allele origin: germline.
Comment: This sequence change replaces glycine, which is neutral and non-polar, with arginine, which is basic and polar, at codon 1868 of the CPAMD8 protein (p.Gly1868Arg). This variant is present in population databases (rs201034139, gnomAD 0.2%), and has an allele count higher than expected for a pathogenic variant. This variant has not been reported in the literature in individuals affected with CPAMD8-related conditions. ClinVar contains an entry for this variant (Variation ID: 1438628). An algorithm developed to predict the effect of missense changes on protein structure and function (PolyPhen-2) suggests that this variant¬†is likely to be tolerated. In summary, the available evidence is currently insufficient to determine the role of this variant in disease. Therefore, it has been classified as a Variant of Uncertain Significance.

Centre of Medical Genetics, University Hospital Muenster
Classification: Uncertain significance. Last evaluated: 2022-09-09. Review status: criteria provided, single submitter. Criteria: ACMG Guidelines, 2015. Collection method: clinical testing. Allele origin: unknown. Affected: yes. Observed: 1 variant allele, 1 heterozygote.
Comment: ACMG categories: PM2

Ambry Genetics
Classification: Uncertain significance for Inborn genetic diseases. Last evaluated: 2021-09-01. Review status: criteria provided, single submitter. Criteria: Ambry Variant Classification Scheme 2023. Collection method: clinical testing. Allele origin: germline.

NM_015692.5(CPAMD8):c.5461G>A (p.Gly1821Arg)

Gene: CPAMD8 (C3 and PZP like alpha-2-macroglobulin domain containing 8; minus strand). Cytogenetic location: 19p13.11.
Variant type: single nucleotide variant.
Coding change: c.5461G>A on transcript NM_015692.5 (MANE Select); coding-DNA position 5461, G replaced by A.
Protein change: p.Gly1821Arg; replaces glycine 1821 with arginine.
Molecular consequence: missense variant. On other transcripts: non-coding transcript variant (1).
Genome position (GRCh38, 1-based): chr19:16,893,305, C>T on the plus strand (G>A on the coding strand, the complement: CPAMD8 is on the minus strand). VCF-style: chr19-16893305-C-T. GRCh37 (hg19) VCF-style: chr19-17004116-C-T.
Other names: c.5602G>A (NM_015692.2); short protein forms G1821R.
Identifiers: ClinVar variation 1438628 (VCV001438628.8), dbSNP rs201034139, ClinGen allele CA9284215.